The following is an entry in ClinVar:

ClinVar aggregate classification (germline): Likely benign (0 of 4 stars; one submission).

Conditions:
ESRP1-related disorder. Also called: ESRP1-related condition.

Allele frequency attached by ClinVar (database versions not stated): TOPMed 0.00003; gnomAD 0.00019; ExAC 0.00031.
gnomAD v4.1: 217 of 1,608,648 alleles (0.013%); highest among the groups gnomAD compares: South Asian, 0.07%; no homozygotes.

Submission:

PreventionGenetics, part of Exact Sciences
Classification: Likely benign for ESRP1-related condition. Last evaluated: 2019-05-20. Review status: no assertion criteria provided. Collection method: clinical testing. Allele origin: germline.
Comment: This variant is classified as likely benign based on ACMG/AMP sequence variant interpretation guidelines (Richards et al. 2015 PMID: 25741868, with internal and published modifications).

NM_017697.4(ESRP1):c.618G>C (p.Val206=)

Gene: ESRP1 (epithelial splicing regulatory protein 1; plus strand). Cytogenetic location: 8q22.1.
Variant type: single nucleotide variant.
Coding change: c.618G>C on transcript NM_017697.4 (MANE Select); coding-DNA position 618, G replaced by C.
Protein change: p.Val206=; no amino-acid change (valine 206 retained).
Molecular consequence: synonymous variant.
Genome position (GRCh38, 1-based): chr8:94,662,529, G>C. VCF-style: chr8-94662529-G-C. GRCh37 (hg19) VCF-style: chr8-95674757-G-C.
Other names: c.618G>C, p.Val206= (NM_001034915.3, NM_001122825.2, NM_001122826.2 and 1 more transcripts).
Identifiers: ClinVar variation 3038592 (VCV003038592.2), dbSNP rs753093658, ClinGen allele CA4812064.